The following is an entry in ClinVar:

ClinVar aggregate classification (germline): Uncertain significance (1 of 4 stars; one submission).

Submission:

GeneDx
Classification: Uncertain significance. Last evaluated: 2024-07-31. Review status: criteria provided, single submitter. Criteria: GeneDx Variant Classification Process June 2021. Collection method: clinical testing. Allele origin: germline. Affected: yes.
Comment: Not observed at significant frequency in large population cohorts (gnomAD); In silico analysis indicates that this missense variant does not alter protein structure/function; Has not been previously published as pathogenic or benign to our knowledge

NM_031407.7(HUWE1):c.8471A>C (p.Glu2824Ala)

Gene: HUWE1 (HECT, UBA and WWE domain containing E3 ubiquitin protein ligase 1; minus strand). Cytogenetic location: Xp11.22.
Variant type: single nucleotide variant.
Coding change: c.8471A>C on transcript NM_031407.7 (MANE Select); coding-DNA position 8471, A replaced by C.
Protein change: p.Glu2824Ala; replaces glutamic acid 2824 with alanine.
Molecular consequence: missense variant.
Genome position (GRCh38, 1-based): chrX:53,554,656, T>G on the plus strand (A>C on the coding strand, the complement: HUWE1 is on the minus strand). VCF-style: chrX-53554656-T-G. GRCh37 (hg19) VCF-style: chrX-53581617-T-G.
Other names: short protein forms E2824A.
Identifiers: ClinVar variation 2507144 (VCV002507144.2), dbSNP rs2523538225, ClinGen allele CA413148648.
Genomic context (GRCh38, chrX:53,554,656, plus strand): 5'-TTGTTTCATCCTCCCCAAATGTTGAAATTCTACTCACTTATAGTGGGAGCTGGGGATAAC[T>G]CCATCTGAGTTGTTTCTGCTTCCCCACTTGGCCTTGTGGGACCCAATTCCTCTGGCTCTA-3'
Protein context (NP_113584.3, residues 2814-2834): PSGEAETTQM[Glu2824Ala]LSPAPTITSL